The following is an entry in ClinVar:

NM_002292.4(LAMB2):c.1405+1G>A

Gene: LAMB2 (laminin subunit beta 2; minus strand). Cytogenetic location: 3p21.31.
Variant type: single nucleotide variant.
Coding change: c.1405+1G>A on transcript NM_002292.4 (MANE Select); the canonical splice donor site of the intron after coding-DNA position 1405, G replaced by A.
Molecular consequence: splice donor variant.
Genome position (GRCh38, 1-based): chr3:49,129,838, C>T on the plus strand (G>A on the coding strand, the complement: LAMB2 is on the minus strand). VCF-style: chr3-49129838-C-T. GRCh37 (hg19) VCF-style: chr3-49167271-C-T.
Identifiers: ClinVar variation 2627166 (VCV002627166.4), dbSNP rs780041521, ClinGen allele CA2394611.

ClinVar aggregate classification (germline): Pathogenic. Review status: criteria provided, multiple submitters, no conflicts (2 of 4 stars). 2 submissions from 2 submitters: Pathogenic (2). Last evaluated 2024-01-18.

Conditions:
Pierson syndrome. Also called: MICROCORIA-CONGENITAL NEPHROTIC SYNDROME. Identifiers: Orphanet 2670, MedGen C1836876, MONDO:0012184, OMIM 609049.
LAMB2-related infantile-onset nephrotic syndrome. Also called: NEPHROTIC SYNDROME, TYPE 5, WITHOUT OCULAR ABNORMALITIES; NEPHROTIC SYNDROME, TYPE 5, WITH OCULAR ABNORMALITIES; Nephrotic Syndrome, type 5. Identifiers: Orphanet 306507, MedGen C3280113, MONDO:0013621, OMIM 614199.

Allele frequency attached by ClinVar (database versions not stated): ExAC 0.00001; gnomAD exomes 0.00001; TOPMed 0.00001.
gnomAD v4.1: 17 of 1,613,792 alleles (0.0011%); highest among the groups gnomAD compares: Admixed American, 0.0017%; no homozygotes.

Submissions (2):

Labcorp Genetics (formerly Invitae), Labcorp
Classification: Pathogenic for LAMB2-related infantile-onset nephrotic syndrome; Pierson syndrome. Last evaluated: 2024-01-18. Review status: criteria provided, single submitter. Criteria: Invitae Variant Classification Sherloc (09022015). Collection method: clinical testing. Allele origin: germline.
Comment: This sequence change affects a donor splice site in intron 10 of the LAMB2 gene. It is expected to disrupt RNA splicing. Variants that disrupt the donor or acceptor splice site typically lead to a loss of protein function (PMID: 16199547), and loss-of-function variants in LAMB2 are known to be pathogenic (PMID: 15367484). This variant is present in population databases (rs780041521, gnomAD 0.01%). Disruption of this splice site has been observed in individuals with Pierson syndrome (PMID: 18672223). ClinVar contains an entry for this variant (Variation ID: 2627166). Algorithms developed to predict the effect of sequence changes on RNA splicing suggest that this variant may disrupt the consensus splice site. For these reasons, this variant has been classified as Pathogenic.

Women's Health and Genetics/Laboratory Corporation of America, LabCorp
Classification: Pathogenic for Pierson syndrome. Last evaluated: 2023-09-08. Review status: criteria provided, single submitter. Criteria: LabCorp Variant Classification Summary - May 2015. Collection method: clinical testing. Allele origin: germline.
Comment: Variant summary: LAMB2 c.1405+1G>A is located in a canonical splice-site and is predicted to affect mRNA splicing resulting in a significantly altered protein due to either exon skipping, shortening, or inclusion of intronic material. Several computational tools predict a significant impact on normal splicing: Two predict the variant abolishes a 5' splicing donor site. At least one publication reports experimental evidence that this variant affects mRNA splicing by skipping of exon 10 and creates a premature stop codon (p.Ser409X) (Matejas_2011). The variant allele was found at a frequency of 1.6e-05 in 249246 control chromosomes. c.1405+1G>A has been reported in the literature in individuals affected with Pierson Syndrome (Matejas_2011, Ogino_2016). The following publications have been ascertained in the context of this evaluation (PMID: 21910237, 26467726, 25349199). No submitters have cited clinical-significance assessments for this variant to ClinVar after 2014. Based on the evidence outlined above, the variant was classified as pathogenic.

Literature cited by the submitters: PubMed 16199547 (cited by Labcorp Genetics (formerly Invitae), Labcorp); PubMed 15367484 (cited by Labcorp Genetics (formerly Invitae), Labcorp); PubMed 18672223 (cited by Labcorp Genetics (formerly Invitae), Labcorp); PubMed 25349199 (cited by Women's Health and Genetics/Laboratory Corporation of America, LabCorp); PubMed 21910237 (cited by Women's Health and Genetics/Laboratory Corporation of America, LabCorp); PubMed 26467726 (cited by Women's Health and Genetics/Laboratory Corporation of America, LabCorp).